The following is an entry in ClinVar:

NM_001368397.1(FRMPD4):c.4124C>T (p.Ala1375Val)

Gene: FRMPD4 (FERM and PDZ domain containing 4; plus strand). Cytogenetic location: Xp22.2.
Variant type: single nucleotide variant.
Coding change: c.4124C>T on transcript NM_001368397.1 (MANE Select); coding-DNA position 4124, C replaced by T.
Protein change: p.Ala1375Val; replaces alanine 1375 with valine.
Molecular consequence: missense variant. On other transcripts: 3 prime UTR variant (6).
Genome position (GRCh38, 1-based): chrX:12,720,693, C>T. VCF-style: chrX-12720693-C-T. GRCh37 (hg19) VCF-style: chrX-12738812-C-T.
Other names: c.4235C>T, p.Ala1412Val (NM_001368395.3); c.4130C>T, p.Ala1377Val (NM_001368396.3); c.*160C>T (NM_001368398.3, NM_001368399.3, NM_001368400.3 and 3 more transcripts); short protein forms A1375V, A1377V, A1412V.
Identifiers: ClinVar variation 3899874 (VCV003899874.1).

ClinVar aggregate classification (germline): Uncertain significance (1 of 4 stars; one submission).

Conditions:
Intellectual developmental disorder, X-linked 104. Also called: Intellectual disability, X-linked 104. Identifiers: MedGen C4310817, MONDO:0010509, OMIM 300983.

Submission:

Genetics Department, Catlab
Classification: Uncertain significance for Intellectual developmental disorder, X-linked 104. Last evaluated: 2024-10-30. Review status: criteria provided, single submitter. Criteria: ACMG Guidelines, 2015. Collection method: clinical testing. Allele origin: germline. Affected: yes. Observed: 1 variant allele.
Comment: The variant is absent from the gnomAD database (PM2). With all the available evidence, the variant is classified as of uncertain significance.